The following is an entry in ClinVar:

ClinVar aggregate classification (germline): Uncertain significance (1 of 4 stars; one submission).

Submission:

Labcorp Genetics (formerly Invitae), Labcorp
Classification: Uncertain significance. Last evaluated: 2022-04-25. Review status: criteria provided, single submitter. Criteria: Invitae Variant Classification Sherloc (09022015). Collection method: clinical testing. Allele origin: germline.
Comment: This variant has not been reported in the literature in individuals affected with SRCAP-related conditions. This variant is present in population databases (no rsID available, gnomAD 0.007%). This variant, c.5566_5568del, results in the deletion of 1 amino acid(s) of the SRCAP protein (p.Gly1856del), but otherwise preserves the integrity of the reading frame. Experimental studies and prediction algorithms are not available or were not evaluated, and the functional significance of this variant is currently unknown. In summary, the available evidence is currently insufficient to determine the role of this variant in disease. Therefore, it has been classified as a Variant of Uncertain Significance.

NM_006662.3(SRCAP):c.5566_5568del (p.Gly1856del)

Gene: SRCAP (Snf2 related CREBBP activator protein; plus strand). Cytogenetic location: 16p11.2.
Variant type: Deletion.
Coding change: c.5566_5568del on transcript NM_006662.3 (MANE Select); coding-DNA positions 5566 to 5568, 3 bases deleted (GGT; older notation c.5566_5568delGGT).
Protein change: p.Gly1856del; deletes glycine 1856.
Molecular consequence: inframe deletion.
Genome position (GRCh38, 1-based): chr16:30,724,990-30,724,992, GGT deleted; deleting any 3 consecutive bases within chr16:30,724,989-30,724,992 gives the same sequence; the c. name uses the placement nearest the transcript's 3' end. VCF-style (leftmost placement, unchanged base first): chr16-30724988-CTGG-C. GRCh37 (hg19) VCF-style: chr16-30736309-CTGG-C.
Other names: short protein forms G1856del.
Identifiers: ClinVar variation 2130748 (VCV002130748.4), dbSNP rs1161711317, ClinGen allele CA622170169.